The following is an entry in ClinVar:

NM_002109.6(HARS1):c.796C>T (p.Arg266Cys)

Gene: HARS1 (histidyl-tRNA synthetase 1; minus strand). Cytogenetic location: 5q31.3.
Variant type: single nucleotide variant.
Coding change: c.796C>T on transcript NM_002109.6 (MANE Select); coding-DNA position 796, C replaced by T.
Protein change: p.Arg266Cys; replaces arginine 266 with cysteine.
Molecular consequence: missense variant.
Genome position (GRCh38, 1-based): chr5:140,677,354, G>A on the plus strand (C>T on the coding strand, the complement: HARS1 is on the minus strand). VCF-style: chr5-140677354-G-A. GRCh37 (hg19) VCF-style: chr5-140056939-G-A.
Other names: c.676C>T, p.Arg226Cys (NM_001258040.3); c.736C>T, p.Arg246Cys (NM_001258041.3); c.616C>T, p.Arg206Cys (NM_001258042.3); c.574C>T, p.Arg192Cys (NM_001289092.2); c.454C>T, p.Arg152Cys (NM_001289093.2); c.709C>T, p.Arg237Cys (NM_001289094.2); short protein forms R152C, R192C, R206C, R226C, R237C, R246C, R266C.
Identifiers: ClinVar variation 1680323 (VCV001680323.10), dbSNP rs575673293, ClinGen allele CA3443991.

ClinVar aggregate classification (germline): Uncertain significance. Review status: criteria provided, multiple submitters, no conflicts (2 of 4 stars). 2 submissions from 2 submitters: Uncertain significance (2). Last evaluated 2025-10-30.

Conditions:
Usher syndrome type 3B. Also called: USHER SYNDROME, TYPE IIIB. Identifiers: MedGen C3281066, MONDO:0013788, OMIM 614504.

Allele frequency attached by ClinVar (database versions not stated): gnomAD exomes below 0.00001 and 0.00001; ExAC 0.00001; gnomAD 0.00001; 1000 Genomes Project 30x 0.00016; 1000 Genomes Project 0.00020.

Submissions (2):

Women's Health and Genetics/Laboratory Corporation of America, LabCorp
Classification: Uncertain significance. Last evaluated: 2025-10-30. Review status: criteria provided, single submitter. Criteria: LabCorp Variant Classification Summary - May 2015. Collection method: clinical testing. Allele origin: germline.
Comment: Variant summary: HARS1 c.796C>T (p.Arg266Cys) results in a non-conservative amino acid change in the encoded protein sequence. Algorithms developed to predict the effect of missense changes on protein structure and function are either unavailable or do not agree on the potential impact of this missense change. The variant allele was found at a frequency of 8e-06 in 251426 control chromosomes (gnomAD). The available data on variant occurrences in the general population are insufficient to allow any conclusion about variant significance. To our knowledge, no occurrence of c.796C>T in individuals affected with HARS1-related conditions and no experimental evidence demonstrating its impact on protein function have been reported. ClinVar contains an entry for this variant (Variation ID: 1680323). Based on the evidence outlined above, the variant was classified as uncertain significance.

Labcorp Genetics (formerly Invitae), Labcorp
Classification: Uncertain significance for Usher syndrome type 3B. Last evaluated: 2024-03-11. Review status: criteria provided, single submitter. Criteria: Invitae Variant Classification Sherloc (09022015). Collection method: clinical testing. Allele origin: germline.
Comment: This sequence change replaces arginine, which is basic and polar, with cysteine, which is neutral and slightly polar, at codon 266 of the HARS protein (p.Arg266Cys). This variant is present in population databases (rs575673293, gnomAD 0.01%). This variant has not been reported in the literature in individuals affected with HARS-related conditions. ClinVar contains an entry for this variant (Variation ID: 1680323). Advanced modeling of protein sequence and biophysical properties (such as structural, functional, and spatial information, amino acid conservation, physicochemical variation, residue mobility, and thermodynamic stability) performed at Invitae indicates that this missense variant is not expected to disrupt HARS protein function with a negative predictive value of 80%. In summary, the available evidence is currently insufficient to determine the role of this variant in disease. Therefore, it has been classified as a Variant of Uncertain Significance.